The following is an entry in ClinVar:

NM_000038.6(APC):c.730-1797C>G

Gene: APC (APC regulator of WNT signaling pathway; plus strand). Cytogenetic location: 5q22.2.
Variant type: single nucleotide variant.
Coding change: c.730-1797C>G on transcript NM_000038.6 (MANE Select); 1797 bases into the intron before coding-DNA position 730, C replaced by G.
Molecular consequence: intron variant.
Genome position (GRCh38, 1-based): chr5:112,799,482, C>G. VCF-style: chr5-112799482-C-G. GRCh37 (hg19) VCF-style: chr5-112135179-C-G.
Other names: c.553-1797C>G (NM_001354900.2, NM_001354901.2, NM_001354905.2); c.730-1797C>G (NM_001354895.2, NM_001127510.3, NM_001354896.2 and 1 more transcripts); c.760-1797C>G (NM_001354897.2, NM_001354902.2); c.676-1797C>G (NM_001127511.3); c.655-1797C>G (NM_001354898.2, NM_001354904.2); c.-306-1797C>G (NM_001354906.2); c.646-1797C>G (NM_001354899.2).
Identifiers: ClinVar variation 83033 (VCV000083033.2), dbSNP rs74386773, ClinGen allele CA013394.

ClinVar aggregate classification (germline): other (0 of 4 stars; one submission).

Conditions:
Familial colorectal cancer. Identifiers: MedGen CN280943, MONDO:0023113. Disease mechanism: loss of function.

Submission:

Systems Biology Platform Zhejiang California International NanoSystems Institute
Classification: other for Familial colorectal cancer. Review status: no assertion criteria provided. Collection method: not provided. Allele origin: unknown.
ClinVar note: Converted during submission from cancer to other.